The following is an entry in ClinVar:

NM_001160372.4(TRAPPC9):c.2018del (p.Cys673fs)

Gene: TRAPPC9 (trafficking protein particle complex subunit 9; minus strand). Cytogenetic location: 8q24.3.
Variant type: Deletion.
Coding change: c.2018del on transcript NM_001160372.4 (MANE Select); coding-DNA position 2018, one base deleted (G; older notation c.2018delG).
Protein change: p.Cys673fs; shifts the reading frame from cysteine 673.
Molecular consequence: frameshift variant. On other transcripts: non-coding transcript variant (1).
Genome position (GRCh38, 1-based): chr8:140,283,985, C deleted on the plus strand (G on the coding strand, the reverse complement: TRAPPC9 is on the minus strand). VCF-style (leftmost placement, unchanged base first): chr8-140283984-AC-A. GRCh37 (hg19) VCF-style: chr8-141294083-AC-A.
Other names: c.1991del, p.Cys664fs (NM_001321646.2); c.2039del, p.Cys680fs (NM_001374682.1); c.2018del, p.Cys673fs (NM_001374683.1, NM_031466.8); c.1874del, p.Cys625fs (NM_001374684.1); short protein forms C625fs, C673fs, C664fs, C680fs.
Identifiers: ClinVar variation 2759021 (VCV002759021.3), dbSNP rs2539466370, ClinGen allele CA2697550174.

ClinVar aggregate classification (germline): Pathogenic (1 of 4 stars; one submission).

Submission:

Labcorp Genetics (formerly Invitae), Labcorp
Classification: Pathogenic. Last evaluated: 2024-10-31. Review status: criteria provided, single submitter. Criteria: Invitae Variant Classification Sherloc (09022015). Collection method: clinical testing. Allele origin: germline.
Comment: This sequence change creates a premature translational stop signal (p.Cys771Phefs*9) in the TRAPPC9 gene. It is expected to result in an absent or disrupted protein product. Loss-of-function variants in TRAPPC9 are known to be pathogenic (PMID: 2000476, 20004763, 20004764). This variant is not present in population databases (gnomAD no frequency). This variant has not been reported in the literature in individuals affected with TRAPPC9-related conditions. ClinVar contains an entry for this variant (Variation ID: 2759021). For these reasons, this variant has been classified as Pathogenic.

Literature cited by the submitters: PubMed 2000476; PubMed 20004763; PubMed 20004764.